The following is an entry in ClinVar:

NM_004366.6(CLCN2):c.841G>A (p.Ala281Thr)

Gene: CLCN2 (chloride voltage-gated channel 2; minus strand). Cytogenetic location: 3q27.1.
Variant type: single nucleotide variant.
Coding change: c.841G>A on transcript NM_004366.6 (MANE Select); coding-DNA position 841, G replaced by A.
Protein change: p.Ala281Thr; replaces alanine 281 with threonine.
Molecular consequence: missense variant.
Genome position (GRCh38, 1-based): chr3:184,357,419, C>T on the plus strand (G>A on the coding strand, the complement: CLCN2 is on the minus strand). VCF-style: chr3-184357419-C-T. GRCh37 (hg19) VCF-style: chr3-184075207-C-T.
Other names: c.841G>A, p.Ala281Thr (NM_001171087.3, NM_001171089.3); c.709G>A, p.Ala237Thr (NM_001171088.3); short protein forms A281T, A237T.
Identifiers: ClinVar variation 2054684 (VCV002054684.4), dbSNP rs768234445, ClinGen allele CA355455326.

ClinVar aggregate classification (germline): Uncertain significance (1 of 4 stars; one submission).

gnomAD v4.1: 7 of 1,614,036 alleles (0.00043%); highest among the groups gnomAD compares: East Asian, 0.0045%; no homozygotes.

Submission:

Labcorp Genetics (formerly Invitae), Labcorp
Classification: Uncertain significance. Last evaluated: 2022-06-23. Review status: criteria provided, single submitter. Criteria: Invitae Variant Classification Sherloc (09022015). Collection method: clinical testing. Allele origin: germline.
Comment: This variant has not been reported in the literature in individuals affected with CLCN2-related conditions. This sequence change replaces alanine, which is neutral and non-polar, with threonine, which is neutral and polar, at codon 281 of the CLCN2 protein (p.Ala281Thr). This variant is present in population databases (no rsID available, gnomAD 0.003%). Advanced modeling of protein sequence and biophysical properties (such as structural, functional, and spatial information, amino acid conservation, physicochemical variation, residue mobility, and thermodynamic stability) performed at Invitae indicates that this missense variant is expected to disrupt CLCN2 protein function. In summary, the available evidence is currently insufficient to determine the role of this variant in disease. Therefore, it has been classified as a Variant of Uncertain Significance.